The following is an entry in ClinVar:

NM_133642.5(LARGE1):c.731A>G (p.Asp244Gly)

Gene: LARGE1 (LARGE xylosyl- and glucuronyltransferase 1; minus strand). Cytogenetic location: 22q12.3.
Variant type: single nucleotide variant.
Coding change: c.731A>G on transcript NM_133642.5 (MANE Select); coding-DNA position 731, A replaced by G.
Protein change: p.Asp244Gly; replaces aspartic acid 244 with glycine.
Molecular consequence: missense variant.
Genome position (GRCh38, 1-based): chr22:33,564,904, T>C on the plus strand (A>G on the coding strand, the complement: LARGE1 is on the minus strand). VCF-style: chr22-33564904-T-C. GRCh37 (hg19) VCF-style: chr22-33960890-T-C.
Other names: c.731A>G, p.Asp244Gly (NM_001362949.2, NM_001362951.2, NM_001362953.2 and 7 more transcripts); c.128A>G, p.Asp43Gly (NM_001378630.1, NM_001378631.1); short protein forms D244G, D43G.
Identifiers: ClinVar variation 1954474 (VCV001954474.5), dbSNP rs1479407489, ClinGen allele CA411545676.
Genomic context (GRCh38, chr22:33,564,904, plus strand): 5'-TTACCTTTGAACTTGTGGAACACAGCCCACAGCTCTGCAATGTCAGTGGCAAAGGTGATA[T>C]CCGTGTCAAGGACGATGACTCTCTCCAGGTTGGCAGGAAGAGTCTTGGTCAGGACAAGCT-3'
Protein context (NP_598397.1, residues 234-254): NLERVIVLDT[Asp244Gly]ITFATDIAEL

ClinVar aggregate classification (germline): Uncertain significance (1 of 4 stars; one submission).

Conditions:
Muscular dystrophy-dystroglycanopathy type B6 (MDDGB6). Also called: MUSCULAR DYSTROPHY-DYSTROGLYCANOPATHY (CONGENITAL WITH IMPAIRED INTELLECTUAL DEVELOPMENT), TYPE B, 6; MUSCULAR DYSTROPHY, CONGENITAL, LARGE-RELATED; MUSCULAR DYSTROPHY, CONGENITAL, TYPE 1D. Identifiers: MedGen C1837229, MONDO:0012138, OMIM 608840.

Allele frequency attached by ClinVar (database versions not stated): gnomAD exomes 0.00004.
gnomAD v4.1: 33 of 1,614,190 alleles (0.002%); highest among the groups gnomAD compares: Non-Finnish European, 0.0027%; no homozygotes.

Submission:

Labcorp Genetics (formerly Invitae), Labcorp
Classification: Uncertain significance for Muscular dystrophy-dystroglycanopathy type B6. Last evaluated: 2022-03-24. Review status: criteria provided, single submitter. Criteria: Invitae Variant Classification Sherloc (09022015). Collection method: clinical testing. Allele origin: germline.
Comment: In summary, the available evidence is currently insufficient to determine the role of this variant in disease. Therefore, it has been classified as a Variant of Uncertain Significance. Algorithms developed to predict the effect of missense changes on protein structure and function are either unavailable or do not agree on the potential impact of this missense change (SIFT: "Tolerated"; PolyPhen-2: "Possibly Damaging"; Align-GVGD: "Class C0"). This variant has not been reported in the literature in individuals affected with LARGE1-related conditions. This variant is present in population databases (no rsID available, gnomAD 0.0009%). This sequence change replaces aspartic acid, which is acidic and polar, with glycine, which is neutral and non-polar, at codon 244 of the LARGE1 protein (p.Asp244Gly).